The following is an entry in ClinVar:

ClinVar aggregate classification (germline): Likely benign. Review status: criteria provided, multiple submitters, no conflicts (2 of 4 stars). 2 submissions from 2 submitters: Likely benign (2). Last evaluated 2024-10-16.

Conditions:
EGFR-related lung cancer (EGFR). Identifiers: MedGen CN130014.
Lung cancer. Also called: Lung cancer, somatic; Malignant tumor of lung. Identifiers: MedGen C0242379, MONDO:0008903, OMIM 211980.

gnomAD v4.1: 3 of 1,613,330 alleles (0.00019%); highest among the groups gnomAD compares: Admixed American, 0.0033%; no homozygotes.

Submissions (2):

Myriad Genetics, Inc.
Classification: Likely benign for Lung cancer. Last evaluated: 2024-10-16. Review status: criteria provided, single submitter. Criteria: Myriad Autosomal Dominant, Autosomal Recessive and X-Linked Classification Criteria (2023). Collection method: clinical testing. Allele origin: unknown.
Comment: This variant is considered likely benign. This variant is intronic and is not expected to impact mRNA splicing.

Labcorp Genetics (formerly Invitae), Labcorp
Classification: Likely benign for EGFR-related lung cancer. Last evaluated: 2024-10-09. Review status: criteria provided, single submitter. Criteria: Invitae Variant Classification Sherloc (09022015). Collection method: clinical testing. Allele origin: germline.

NM_005228.5(EGFR):c.2470-17G>C

Gene: EGFR (epidermal growth factor receptor; plus strand). Cytogenetic location: 7p11.2.
Variant type: single nucleotide variant.
Coding change: c.2470-17G>C on transcript NM_005228.5 (MANE Select); 17 bases into the intron before coding-DNA position 2470, G replaced by C.
Molecular consequence: intron variant.
Genome position (GRCh38, 1-based): chr7:55,191,702, G>C. VCF-style: chr7-55191702-G-C. GRCh37 (hg19) VCF-style: chr7-55259395-G-C.
Other names: c.2335-17G>C (NM_001346899.2, NM_001346897.2); c.1669-17G>C (NM_001346941.2); c.2470-17G>C (NM_001346898.2); c.2311-17G>C (NM_001346900.2).
Identifiers: ClinVar variation 1538584 (VCV001538584.9), dbSNP rs765782855, ClinGen allele CA4266099.